The following is an entry in ClinVar:

NM_004168.4(SDHA):c.1351C>A (p.Arg451Ser)

Gene: SDHA (succinate dehydrogenase complex flavoprotein subunit A; plus strand). Cytogenetic location: 5p15.33.
Variant type: single nucleotide variant.
Coding change: c.1351C>A on transcript NM_004168.4 (MANE Select); coding-DNA position 1351, C replaced by A.
Protein change: p.Arg451Ser; replaces arginine 451 with serine.
Molecular consequence: missense variant.
Genome position (GRCh38, 1-based): chr5:236,518, C>A. VCF-style: chr5-236518-C-A. GRCh37 (hg19) VCF-style: chr5-236633-C-A.
Other names: c.1207C>A, p.Arg403Ser (NM_001294332.2); c.1351C>A, p.Arg451Ser (NM_001330758.2); short protein forms R451S, R403S.
Identifiers: ClinVar variation 969346 (VCV000969346.14), dbSNP rs1553999752, ClinGen allele CA359013983.

ClinVar aggregate classification (germline): Conflicting classifications of pathogenicity. Review status: criteria provided, conflicting classifications (1 of 4 stars). 3 submissions from 3 submitters: Likely pathogenic (2); Uncertain significance (1). Last evaluated 2026-02-26.

Conditions:
SDHA-related disorder. Also called: SDHA-related condition; SDHA-related disorders.
Mitochondrial complex II deficiency, nuclear type 1. Also called: SUCCINATE CoQ REDUCTASE DEFICIENCY. Identifiers: Orphanet 3208, MedGen C5700310, MONDO:0100294, OMIM 252011.
Pheochromocytoma/paraganglioma syndrome 5. Also called: Paragangliomas 5; SDHA-Related Hereditary Paraganglioma-Pheochromocytoma Syndrome. Identifiers: Orphanet 29072, MedGen C3279992, MONDO:0013602, OMIM 614165.
Hereditary cancer-predisposing syndrome. Also called: Hereditary Cancer Syndrome; Neoplastic Syndromes, Hereditary; Tumor predisposition; Hereditary neoplastic syndrome. Identifiers: Orphanet 140162, MedGen C0027672, MeSH D009386, MONDO:0015356.

Submissions (3):

Ambry Genetics
Classification: Likely pathogenic for Hereditary cancer-predisposing syndrome. Last evaluated: 2026-02-26. Review status: criteria provided, single submitter. Criteria: Ambry Variant Classification Scheme 2023. Collection method: clinical testing. Allele origin: germline.
Comment: The p.R451S variant (also known as c.1351C>A), located in coding exon 10 of the SDHA gene, results from a C to A substitution at nucleotide position 1351. The arginine at codon 451 is replaced by serine, an amino acid with dissimilar properties. Other variant(s) at the same codon, p.R451H (c.1352G>A), have been identified in individual(s) with features consistent with SDHA-related hereditary pheochromocytoma-paraganglioma and functional studies using yeast and bacteria models showed that p.R451H impairs SDHA activity (Birch-Machin MA et al. Ann. Neurol., 2000 Sep;48:330-5; Bannon AE et al. Clin. Cancer Res. 2017 Nov;23:6733-6743; Toledo RA et al. Clin. Cancer Res. 2016 05;22:2301-10; van der Tuin K et al. J. Clin. Endocrinol. Metab. 2018 02;103:438-445). Based on internal structural analysis, this variant likely disrupts the local structure of a ligand binding site in the SDHA protein (Sun F et al. Cell. 2005 Jul;121:1043-57; Iverson TM et al. J. Biol. Chem. 2012 Oct;287:35430-8; Inaoka DK et al. Int J Mol Sci. 2015 Jul;16:15287-308). This variant is considered to be rare based on population cohorts in the Genome Aggregation Database (gnomAD). This amino acid position is highly conserved in available vertebrate species. In addition, this alteration is predicted to be deleterious by in silico analysis. Based on the majority of available evidence to date, this variant is likely to be pathogenic.

Labcorp Genetics (formerly Invitae), Labcorp
Classification: Uncertain significance for Pheochromocytoma/paraganglioma syndrome 5; Mitochondrial complex II deficiency, nuclear type 1. Last evaluated: 2019-10-31. Review status: criteria provided, single submitter. Criteria: Invitae Variant Classification Sherloc (09022015). Collection method: clinical testing. Allele origin: germline.
Comment: This sequence change replaces arginine with serine at codon 451 of the SDHA protein (p.Arg451Ser). The arginine residue is highly conserved and there is a moderate physicochemical difference between arginine and serine. This variant is not present in population databases (ExAC no frequency). This variant has not been reported in the literature in individuals with SDHA-related conditions. Algorithms developed to predict the effect of missense changes on protein structure and function (SIFT, PolyPhen-2, Align-GVGD) all suggest that this variant is likely to be disruptive, but these predictions have not been confirmed by published functional studies and their clinical significance is uncertain. Algorithms developed to predict the effect of sequence changes on RNA splicing suggest that this variant may create or strengthen a splice site, but this prediction has not been confirmed by published transcriptional studies. In summary, the available evidence is currently insufficient to determine the role of this variant in disease. Therefore, it has been classified as a Variant of Uncertain Significance.

Rady Children's Institute for Genomic Medicine, Rady Children's Hospital San Diego
Classification: Likely pathogenic for SDHA Related Disorders. Last evaluated: 2019-10-24. Review status: criteria provided, single submitter. Criteria: ACMG Guidelines, 2015. Collection method: clinical testing. Allele origin: germline. Affected: yes.
Comment: This variant has not been previously reported or functionally characterized in the literature to our knowledge. It is absent from the ExAC and gnomAD population databases and thus is presumed to be rare. The c.1351C>A (p.Arg451Ser) variant affects a highly conserved amino acid and is predicted by multiple in silico tools to have a deleterious effect on protein function. A different amino acid change at the same codon (p.Arg451Cys) was reported as a heterozygous change segregating with disease in a family with autosomal dominant mitochondrial complex II deficiency (PMID: 27683074). Affected family members were reported to have neonatal and adult onset cardiomyopathy, optic atrophy, ocular motor issues, and polyneuropathy (PMID: 27683074). Additionally, the p.Arg451Cys variant was reported as a heterozygous change in two siblings with adult-onset optic atrophy, ataxia, and a proximal myopathy (PMID: 10976639). In vitro functional studies demonstrated that the p.Arg451Cys variant generates an inactive enzyme unable to bind flavin adenine dinucleotide covalently, which was consistent with the observed 50% decrease in complex II and SDH activities in fibroblasts or skeletal muscle in affected individuals (PMID: 27683074, 10976639). Another missense change at the same codon (p.Arg451His) has been reported as a heterozygous change in individuals with paraganglioma (PMID: 29177515, 26700204), with functional evidence supporting a loss of function effect for the variant (PMID: 28724664). Analysis of the parental samples was negative for the p.Arg451Ser variant, indicating this variant likely occurred as a de novo event. Based on the available evidence, the c.1351C>A (p.Arg451Ser) variant is classified as Likely Pathogenic.

Literature cited by the submitters: PubMed 15989954 (cited by Ambry Genetics); PubMed 22904323 (cited by Ambry Genetics); PubMed 26198225 (cited by Ambry Genetics).